The following is an entry in ClinVar:

ClinVar aggregate classification (germline): Uncertain significance. Review status: criteria provided, multiple submitters, no conflicts (2 of 4 stars). 2 submissions from 2 submitters: Uncertain significance (2). Last evaluated 2021-03-16.

Conditions:
Vici syndrome (VICIS). Identifiers: Orphanet 1493, MedGen C1855772, MONDO:0009452, OMIM 242840.

gnomAD v4.1: 1 of 1,613,812 alleles (0.000062%); highest among the groups gnomAD compares: Non-Finnish European, 0.000085%; no homozygotes.

Submissions (2):

Revvity Omics, Revvity
Classification: Uncertain significance for Vici syndrome. Last evaluated: 2021-03-16. Review status: criteria provided, single submitter. Criteria: ACMG Guidelines, 2015. Collection method: clinical testing. Allele origin: germline.

Baylor Genetics
Classification: Uncertain significance for Vici syndrome. Last evaluated: 2020-06-08. Review status: criteria provided, single submitter. Criteria: ACMG Guidelines, 2015. Collection method: clinical testing. Allele origin: unknown. Affected: yes.
Comment: This variant was determined to be of uncertain significance according to ACMG Guidelines, 2015 [PMID:25741868].

NM_020964.3(EPG5):c.3332T>C (p.Leu1111Pro)

Gene: EPG5 (ectopic P-granules 5 autophagy tethering factor; minus strand). Cytogenetic location: 18q21.1.
Variant type: single nucleotide variant.
Coding change: c.3332T>C on transcript NM_020964.3 (MANE Select); coding-DNA position 3332, T replaced by C.
Protein change: p.Leu1111Pro; replaces leucine 1111 with proline.
Molecular consequence: missense variant.
Genome position (GRCh38, 1-based): chr18:45,916,490, A>G on the plus strand (T>C on the coding strand, the complement: EPG5 is on the minus strand). VCF-style: chr18-45916490-A-G. GRCh37 (hg19) VCF-style: chr18-43496455-A-G.
Other names: short protein forms L1111P.
Identifiers: ClinVar variation 1030740 (VCV001030740.5), dbSNP rs2050036468, ClinGen allele CA402343021.
Genomic context (GRCh38, chr18:45,916,490, plus strand): 5'-GCCCTCACCTGGATCATGCTGTTGAGAAGCTTCACGTTGTCCCCATGGCTGGCTCCTGTC[A>G]GGTGCTGTGCCACCTTGTGGGTGACCTGTTGTGTGACACCCTGAGGGACACCGCTGTCCA-3'
Protein context (NP_066015.2, residues 1101-1121): QQVTHKVAQH[Leu1111Pro]TGASHGDNVK